The following is an entry in ClinVar:

NM_005188.4(CBL):c.2678G>A (p.Arg893Gln)

Gene: CBL (Cbl proto-oncogene; plus strand). Cytogenetic location: 11q23.3.
Variant type: single nucleotide variant.
Coding change: c.2678G>A on transcript NM_005188.4 (MANE Select); coding-DNA position 2678, G replaced by A.
Protein change: p.Arg893Gln; replaces arginine 893 with glutamine.
Molecular consequence: missense variant.
Genome position (GRCh38, 1-based): chr11:119,299,738, G>A. VCF-style: chr11-119299738-G-A. GRCh37 (hg19) VCF-style: chr11-119170448-G-A.
Other names: c.2678G>A (NM_005188.2); short protein forms R893Q.
Identifiers: ClinVar variation 503535 (VCV000503535.19), dbSNP rs751198294, ClinGen allele CA229653063.

ClinVar aggregate classification (germline): Uncertain significance. Review status: criteria provided, multiple submitters, no conflicts (2 of 4 stars). 6 submissions from 6 submitters: Uncertain significance (6). Last evaluated 2026-01-22.

Conditions:
CBL-related disorder. Also called: CBL MUTATION-ASSOCIATED SYNDROME; CBL SYNDROME; NOONAN SYNDROME-LIKE DISORDER WITHOUT JUVENILE MYELOMONOCYTIC LEUKEMIA. Identifiers: Orphanet 363972, MedGen C3150803, MONDO:0013308, OMIM 613563.
Cardiovascular phenotype. Identifiers: MedGen CN230736.
RASopathy. Also called: rasopathies; Noonan spectrum disorder. Identifiers: Orphanet 536391, MedGen C5555857, MONDO:0021060.

Allele frequency attached by ClinVar (database versions not stated): gnomAD exomes 0.00001; gnomAD 0.00002; TOPMed 0.00003.
gnomAD v4.1: 14 of 1,614,060 alleles (0.00087%); highest among the groups gnomAD compares: East Asian, 0.0045%; no homozygotes.

Submissions (6):

Labcorp Genetics (formerly Invitae), Labcorp
Classification: Uncertain significance for RASopathy. Last evaluated: 2026-01-22. Review status: criteria provided, single submitter. Criteria: Invitae Variant Classification Sherloc (09022015). Collection method: clinical testing. Allele origin: germline.
Comment: This sequence change replaces arginine, which is basic and polar, with glutamine, which is neutral and polar, at codon 893 of the CBL protein (p.Arg893Gln). This variant is present in population databases (rs751198294, gnomAD 0.06%). This variant has not been reported in the literature in individuals affected with CBL-related conditions. ClinVar contains an entry for this variant (Variation ID: 503535). Invitae Evidence Modeling of protein sequence and biophysical properties (such as structural, functional, and spatial information, amino acid conservation, physicochemical variation, residue mobility, and thermodynamic stability) indicates that this missense variant is not expected to disrupt CBL protein function with a negative predictive value of 95%. In summary, the available evidence is currently insufficient to determine the role of this variant in disease. Therefore, it has been classified as a Variant of Uncertain Significance.

Ambry Genetics
Classification: Uncertain significance for Cardiovascular phenotype. Last evaluated: 2025-10-22. Review status: criteria provided, single submitter. Criteria: Ambry Variant Classification Scheme 2023. Collection method: clinical testing. Allele origin: germline.
Comment: The c.2678G>A (p.R893Q) alteration is located in exon 16 (coding exon 16) of the CBL gene. This alteration results from a G to A substitution at nucleotide position 2678, causing the arginine (R) at amino acid position 893 to be replaced by a glutamine (Q). Based on data from gnomAD, the A allele has an overall frequency of 0.003% (1/31396) total alleles studied. The highest observed frequency was 0.064% (1/1556) of East Asian alleles. Based on insufficient or conflicting evidence, the clinical significance of this alteration remains unclear.

GeneDx
Classification: Uncertain significance. Last evaluated: 2022-10-11. Review status: criteria provided, single submitter. Criteria: GeneDx Variant Classification Process June 2021. Collection method: clinical testing. Allele origin: germline. Affected: yes.
Comment: In silico analysis supports that this missense variant does not alter protein structure/function; Located in the Interaction with CD2AP and Ubiquitin-Associated and Leucine Zipper domains (Martinelli et al., 2010; Kirsch et al., 2001); Has not been previously published as pathogenic or benign to our knowledge; This variant is associated with the following publications: (PMID: 20619386, 11067845)

Blueprint Genetics
Classification: Uncertain significance. Last evaluated: 2021-09-22. Review status: criteria provided, single submitter. Criteria: ACMG Guidelines, 2015. Collection method: clinical testing. Allele origin: germline.

Laboratory for Molecular Medicine, Mass General Brigham Personalized Medicine
Classification: Uncertain significance. Last evaluated: 2018-02-28. Review status: criteria provided, single submitter. Criteria: LMM Criteria. Collection method: clinical testing. Allele origin: germline.
Comment: Disclaimer: This variant has not undergone full assessment. The following are preliminary notes: GnomAd 11:119170448 G / A: East Asian 1/1618; well conserved; Not in ClinVar, Pubmed, Google search or HGMD; probably damaging by polyphen

Illumina Laboratory Services, Illumina
Classification: Uncertain significance for CBL-related disorder. Last evaluated: 2018-01-12. Review status: criteria provided, single submitter. Criteria: ICSL Variant Classification Criteria 13 December 2019. Collection method: clinical testing. Allele origin: germline.